The following is an entry in ClinVar:

NM_031935.3(HMCN1):c.14978A>G (p.Tyr4993Cys)

Gene: HMCN1 (hemicentin 1; plus strand). Cytogenetic location: 1q31.1.
Variant type: single nucleotide variant.
Coding change: c.14978A>G on transcript NM_031935.3 (MANE Select); coding-DNA position 14978, A replaced by G.
Protein change: p.Tyr4993Cys; replaces tyrosine 4993 with cysteine.
Molecular consequence: missense variant.
Genome position (GRCh38, 1-based): chr1:186,152,831, A>G. VCF-style: chr1-186152831-A-G. GRCh37 (hg19) VCF-style: chr1-186121963-A-G.
Other names: short protein forms Y4993C.
Identifiers: ClinVar variation 2983986 (VCV002983986.3), dbSNP rs768223979, ClinGen allele CA1295117.

ClinVar aggregate classification (germline): Uncertain significance (1 of 4 stars; one submission).

Allele frequency attached by ClinVar (database versions not stated): gnomAD exomes below 0.00001; ExAC 0.00001.
gnomAD v4.1: 2 of 1,613,988 alleles (0.00012%); highest among the groups gnomAD compares: East Asian, 0.0022%; no homozygotes.

Submission:

Labcorp Genetics (formerly Invitae), Labcorp
Classification: Uncertain significance. Last evaluated: 2023-09-05. Review status: criteria provided, single submitter. Criteria: Invitae Variant Classification Sherloc (09022015). Collection method: clinical testing. Allele origin: germline.
Comment: This sequence change replaces tyrosine, which is neutral and polar, with cysteine, which is neutral and slightly polar, at codon 4993 of the HMCN1 protein (p.Tyr4993Cys). This variant is present in population databases (rs768223979, gnomAD 0.01%). This variant has not been reported in the literature in individuals affected with HMCN1-related conditions. An algorithm developed to predict the effect of missense changes on protein structure and function (PolyPhen-2) suggests that this variant is likely to be disruptive. In summary, the available evidence is currently insufficient to determine the role of this variant in disease. Therefore, it has been classified as a Variant of Uncertain Significance.